The following is an entry in ClinVar:

NM_001267550.2(TTN):c.40222+1_40222+2del

Gene: TTN (titin; minus strand). Cytogenetic location: 2q31.2.
Variant type: Deletion.
Coding change: c.40222+1_40222+2del on transcript NM_001267550.2 (MANE Select); the canonical splice donor site of the intron after coding-DNA position 40222, 2 bases deleted (GT; older notation c.40222+1_40222+2delGT).
Molecular consequence: splice donor variant. On other transcripts: intron variant (5).
Genome position (GRCh38, 1-based): chr2:178,647,062-178,647,063, AC deleted on the plus strand (GT on the coding strand, the reverse complement: TTN is on the minus strand). VCF-style (leftmost placement, unchanged base first): chr2-178647061-TAC-T. GRCh37 (hg19) VCF-style: chr2-179511788-TAC-T.
Other names: c.13283-4746_13283-4745del (NM_003319.4); c.13859-4746_13859-4745del (NM_133437.4); c.13658-4746_13658-4745del (NM_133432.3); c.32594-1033_32594-1032del (NM_133378.4); c.35375-1033_35375-1032del (NM_001256850.1).
Identifiers: ClinVar variation 3748221 (VCV003748221.2).

ClinVar aggregate classification (germline): Likely pathogenic (1 of 4 stars; one submission).

Conditions:
Dilated cardiomyopathy 1G (CMD1G). Identifiers: Orphanet 154, MedGen C1858763, MONDO:0011400, OMIM 604145.
Autosomal recessive limb-girdle muscular dystrophy type 2J (LGMDR10). Also called: Limb-girdle muscular dystrophy, type 2J; MUSCULAR DYSTROPHY, LIMB-GIRDLE, AUTOSOMAL RECESSIVE 10. Identifiers: Orphanet 140922, MedGen C1837342, MONDO:0012127, OMIM 608807.

Submission:

Labcorp Genetics (formerly Invitae), Labcorp
Classification: Likely pathogenic for Dilated cardiomyopathy 1G; Autosomal recessive limb-girdle muscular dystrophy type 2J. Last evaluated: 2024-11-20. Review status: criteria provided, single submitter. Criteria: Invitae Variant Classification Sherloc (09022015). Collection method: clinical testing. Allele origin: germline.
Comment: This sequence change affects a splice site in intron 215 of the TTN gene. It is expected to disrupt RNA splicing and likely results in a truncated or disrupted TTN protein. This variant is not present in population databases (gnomAD no frequency). This variant has not been reported in the literature in individuals affected with TTN-related conditions. Algorithms developed to predict the effect of sequence changes on RNA splicing suggest that this variant may disrupt the consensus splice site. This variant is located in the I band of TTN (PMID: 25589632). Truncating variants in this region have been reported in individuals affected with autosomal recessive centronuclear myopathy (PMID: 23975875, internal data). Truncating variants in this region have also been identified in individuals affected with autosomal dominant dilated cardiomyopathy and/or cardio-related conditions (PMID: 27869827, 32964742, internal data). In summary, the currently available evidence indicates that the variant is pathogenic, but additional data are needed to prove that conclusively. Therefore, this variant has been classified as Likely Pathogenic.

Literature cited by the submitters: PubMed 25589632; PubMed 23975875; PubMed 27869827; PubMed 32964742.